The following is an entry in ClinVar:

ClinVar aggregate classification (germline): Likely benign (1 of 4 stars; one submission).

Conditions:
Colorectal cancer, susceptibility to, 1. Also called: COLORECTAL ADENOMA AND CANCER, SUSCEPTIBILITY TO; COLORECTAL CANCER, SUSCEPTIBILITY TO, ON CHROMOSOME 9. Identifiers: MedGen C1837315, MONDO:0012132, OMIM 608812.

Submission:

Myriad Genetics, Inc.
Classification: Likely benign for Colorectal cancer, susceptibility to, 1. Last evaluated: 2026-04-21. Review status: criteria provided, single submitter. Criteria: Myriad Autosomal Dominant, Autosomal Recessive and X-Linked Classification Criteria (2023). Collection method: clinical testing. Allele origin: unknown.
Comment: This variant is considered likely benign. This variant is intronic and is not expected to impact mRNA splicing.

NM_024642.5(GALNT12):c.918-16dup

Gene: GALNT12 (polypeptide N-acetylgalactosaminyltransferase 12; plus strand). Cytogenetic location: 9q22.33.
Variant type: Duplication.
Coding change: c.918-16dup on transcript NM_024642.5 (MANE Select); 16 bases into the intron before coding-DNA position 918, one base duplicated (T; older notation c.918-16dupT).
Molecular consequence: intron variant.
Genome position (GRCh38, 1-based): chr9:98,835,233, T duplicated. VCF-style (leftmost placement, unchanged base first): chr9-98835232-A-AT. GRCh37 (hg19) VCF-style: chr9-101597514-A-AT.
Identifiers: ClinVar variation 4876173 (VCV004876173.1).